The following is an entry in ClinVar:

NM_024665.7(TBL1XR1):c.1418C>T (p.Thr473Ile)

Gene: TBL1XR1 (TBL1X/Y related 1; minus strand). Cytogenetic location: 3q26.32.
Variant type: single nucleotide variant.
Coding change: c.1418C>T on transcript NM_024665.7 (MANE Select); coding-DNA position 1418, C replaced by T.
Protein change: p.Thr473Ile; replaces threonine 473 with isoleucine.
Molecular consequence: missense variant.
Genome position (GRCh38, 1-based): chr3:177,026,473, G>A on the plus strand (C>T on the coding strand, the complement: TBL1XR1 is on the minus strand). VCF-style: chr3-177026473-G-A. GRCh37 (hg19) VCF-style: chr3-176744261-G-A.
Other names: c.1418C>T, p.Thr473Ile (NM_001321193.3, NM_001321194.3, NM_001374327.1 and 2 more transcripts); c.1157C>T, p.Thr386Ile (NM_001321195.3, NM_001374330.1); short protein forms T473I, T386I.
Identifiers: ClinVar variation 586782 (VCV000586782.8), dbSNP rs1560091765, ClinGen allele CA355554154.

ClinVar aggregate classification (germline): Uncertain significance. Review status: criteria provided, multiple submitters, no conflicts (2 of 4 stars). 2 submissions from 2 submitters: Uncertain significance (2). Last evaluated 2024-07-22.

Conditions:
Pierpont syndrome (PRPTS). Identifiers: Orphanet 487825, MedGen C1865644, MONDO:0011213, OMIM 602342.

Allele frequency attached by ClinVar (database versions not stated): gnomAD exomes 0.00001.
gnomAD v4.1: 9 of 1,575,562 alleles (0.00057%); highest among the groups gnomAD compares: East Asian, 0.0045%; no homozygotes.

Submissions (2):

Labcorp Genetics (formerly Invitae), Labcorp
Classification: Uncertain significance for Pierpont syndrome. Last evaluated: 2024-07-22. Review status: criteria provided, single submitter. Criteria: Invitae Variant Classification Sherloc (09022015). Collection method: clinical testing. Allele origin: germline.
Comment: This sequence change replaces threonine, which is neutral and polar, with isoleucine, which is neutral and non-polar, at codon 473 of the TBL1XR1 protein (p.Thr473Ile). This variant is not present in population databases (gnomAD no frequency). This variant has not been reported in the literature in individuals affected with TBL1XR1-related conditions. ClinVar contains an entry for this variant (Variation ID: 586782). An algorithm developed to predict the effect of missense changes on protein structure and function (PolyPhen-2) suggests that this variant is likely to be tolerated. In summary, the available evidence is currently insufficient to determine the role of this variant in disease. Therefore, it has been classified as a Variant of Uncertain Significance.

Athena Diagnostics
Classification: Uncertain significance. Last evaluated: 2018-04-26. Review status: criteria provided, single submitter. Criteria: Athena Diagnostics Criteria. Collection method: clinical testing. Allele origin: germline.